The following is an entry in ClinVar:

ClinVar aggregate classification (germline): Uncertain significance. Review status: criteria provided, multiple submitters, no conflicts (2 of 4 stars). 3 submissions from 3 submitters: Uncertain significance (3). Last evaluated 2025-09-19.

Conditions:
DICER1-related tumor predisposition. Also called: DICER1-related pleuropulmonary blastoma cancer predisposition syndrome; DICER1 syndrome. Identifiers: Orphanet 284343, MedGen C3839822, MONDO:0100216.
Hereditary cancer-predisposing syndrome. Also called: Hereditary neoplastic syndrome; Neoplastic Syndromes, Hereditary; Tumor predisposition; Hereditary Cancer Syndrome. Identifiers: Orphanet 140162, MedGen C0027672, MeSH D009386, MONDO:0015356.
Global developmental delay - lung cysts - overgrowth - Wilms tumor syndrome. Also called: GLOBAL DEVELOPMENTAL DELAY, LUNG CYSTS, OVERGROWTH, AND WILMS TUMOR; GLOW Syndrome. Identifiers: Orphanet 404476, MedGen C4748924, MONDO:0018445, OMIM 618272.

Allele frequency attached by ClinVar (database versions not stated): gnomAD 0.00001; gnomAD exomes 0.00001; TOPMed 0.00001.
gnomAD v4.1: 4 of 1,613,992 alleles (0.00025%); highest among the groups gnomAD compares: Non-Finnish European, 0.00034%; no homozygotes.

Submissions (3):

Labcorp Genetics (formerly Invitae), Labcorp
Classification: Uncertain significance for DICER1-related tumor predisposition. Last evaluated: 2025-09-19. Review status: criteria provided, single submitter. Criteria: Invitae Variant Classification Sherloc (09022015). Collection method: clinical testing. Allele origin: germline.
Comment: This sequence change replaces alanine, which is neutral and non-polar, with serine, which is neutral and polar, at codon 1681 of the DICER1 protein (p.Ala1681Ser). This variant is not present in population databases (gnomAD no frequency). This variant has not been reported in the literature in individuals affected with DICER1-related conditions. ClinVar contains an entry for this variant (Variation ID: 483436). Invitae Evidence Modeling of protein sequence and biophysical properties (such as structural, functional, and spatial information, amino acid conservation, physicochemical variation, residue mobility, and thermodynamic stability) has been performed for this missense variant. However, the output from this modeling did not meet the statistical confidence thresholds required to predict the impact of this variant on DICER1 protein function. In summary, the available evidence is currently insufficient to determine the role of this variant in disease. Therefore, it has been classified as a Variant of Uncertain Significance.

Ambry Genetics
Classification: Uncertain significance for Hereditary cancer-predisposing syndrome. Last evaluated: 2024-12-13. Review status: criteria provided, single submitter. Criteria: Ambry Variant Classification Scheme 2023. Collection method: clinical testing. Allele origin: germline.
Comment: The p.A1681S variant (also known as c.5041G>T), located in coding exon 22 of the DICER1 gene, results from a G to T substitution at nucleotide position 5041. The alanine at codon 1681 is replaced by serine, an amino acid with similar properties. This amino acid position is highly conserved in available vertebrate species. In addition, the in silico prediction for this alteration is inconclusive. Since supporting evidence is limited at this time, the clinical significance of this alteration remains unclear.

Baylor Genetics
Classification: Uncertain significance for Global developmental delay - lung cysts - overgrowth - Wilms tumor syndrome. Last evaluated: 2023-08-29. Review status: criteria provided, single submitter. Criteria: ACMG Guidelines, 2015. Collection method: clinical testing. Allele origin: unknown.

NM_177438.3(DICER1):c.5041G>T (p.Ala1681Ser)

Gene: DICER1 (dicer 1, ribonuclease III; minus strand). Cytogenetic location: 14q32.13.
Variant type: single nucleotide variant.
Coding change: c.5041G>T on transcript NM_177438.3 (MANE Select); coding-DNA position 5041, G replaced by T.
Protein change: p.Ala1681Ser; replaces alanine 1681 with serine.
Molecular consequence: missense variant.
Genome position (GRCh38, 1-based): chr14:95,095,879, C>A on the plus strand (G>T on the coding strand, the complement: DICER1 is on the minus strand). VCF-style: chr14-95095879-C-A. GRCh37 (hg19) VCF-style: chr14-95562216-C-A.
Other names: c.5041G>T, p.Ala1681Ser (NM_001195573.1, NM_001271282.3, NM_001291628.2 and 1 more transcripts); short protein forms A1681S.
Identifiers: ClinVar variation 483436 (VCV000483436.18), dbSNP rs1555367505, ClinGen allele CA390866030.
Genomic context (GRCh38, chr14:95,095,879, plus strand): 5'-CCTTACCAGTGATAGTATTGTAGTGGTAGGAGGCATGTGTAAAAGCCTGGAGAAGGTAAG[C>A]CTTATTCTTGAATCTGTAGTTGATTTTCTTTTCAAAATTTTCAAACCCCGATATAAGGTG-3'
Protein context (NP_803187.1, residues 1671-1691): KKINYRFKNK[Ala1681Ser]YLLQAFTHAS